The following is an entry in ClinVar:

ClinVar aggregate classification (germline): Likely benign (1 of 4 stars; one submission).

Allele frequency attached by ClinVar (database versions not stated): gnomAD 0.00008; ExAC 0.00009; TOPMed 0.00010; gnomAD exomes 0.00012.

Submission:

CeGaT Center for Human Genetics Tuebingen
Classification: Likely benign. Last evaluated: 2023-03-01. Review status: criteria provided, single submitter. Criteria: CeGaT Center For Human Genetics Tuebingen Variant Classification Criteria Version 2. Collection method: clinical testing. Allele origin: germline. Affected: yes. Observed: 1 variant allele.
Comment: ALOXE3: BP4, BP7

NM_021628.3(ALOXE3):c.-118C>T

Genes: ALOXE3 (arachidonate epidermal lipoxygenase 3; minus strand), LOC126862485 (CDK7 strongly-dependent group 2 enhancer GRCh37_chr17:8020998-8022197; plus strand). Cytogenetic location: 17p13.1.
Variant type: single nucleotide variant.
Coding change: c.-118C>T on transcript NM_021628.3 (MANE Select); 118 bases upstream of the start codon, C replaced by T.
Molecular consequence: 5 prime UTR variant. On other transcripts: synonymous variant (1).
Genome position (GRCh38, 1-based): chr17:8,118,108, G>A on the plus strand (C>T on the coding strand, the complement: ALOXE3 is on the minus strand). VCF-style: chr17-8118108-G-A. GRCh37 (hg19) VCF-style: chr17-8021426-G-A.
Other names: c.279C>T, p.Ala93= (NM_001165960.1); c.-118C>T (NM_001369446.1).
Identifiers: ClinVar variation 2647445 (VCV002647445.24), dbSNP rs774187526, ClinGen allele CA8368570.